The following is an entry in ClinVar:

NM_002282.3(KRT83):c.1084G>A (p.Gly362Ser)

Gene: KRT83 (keratin 83; minus strand). Cytogenetic location: 12q13.13.
Variant type: single nucleotide variant.
Coding change: c.1084G>A on transcript NM_002282.3 (MANE Select); coding-DNA position 1084, G replaced by A.
Protein change: p.Gly362Ser; replaces glycine 362 with serine.
Molecular consequence: missense variant.
Genome position (GRCh38, 1-based): chr12:52,316,071, C>T on the plus strand (G>A on the coding strand, the complement: KRT83 is on the minus strand). VCF-style: chr12-52316071-C-T. GRCh37 (hg19) VCF-style: chr12-52709855-C-T.
Other names: short protein forms G362S.
Identifiers: ClinVar variation 309502 (VCV000309502.10), dbSNP rs140635030, ClinGen allele CA6577396.

ClinVar aggregate classification (germline): Benign. Review status: criteria provided, multiple submitters, no conflicts (2 of 4 stars). 3 submissions from 3 submitters: Benign (3). Last evaluated 2026-02-02.

Conditions:
Monilethrix. Also called: Beaded hair. Identifiers: Orphanet 573, MedGen C0546966, MONDO:0008009, HP:0032470.

Allele frequency attached by ClinVar (database versions not stated): gnomAD exomes 0.00131 and 0.00328; ExAC 0.00410; gnomAD 0.01235 and 0.01341; 1000 Genomes Project 0.01238; 1000 Genomes Project 30x 0.01249; TOPMed 0.01390; ESP Exome Variant Server 0.01399.
gnomAD v4.1: 3,875 of 1,613,682 alleles (0.24%); highest among the groups gnomAD compares: African/African-American, 4.4%; 77 homozygotes.

Submissions (3):

Labcorp Genetics (formerly Invitae), Labcorp
Classification: Benign. Last evaluated: 2026-02-02. Review status: criteria provided, single submitter. Criteria: Invitae Variant Classification Sherloc (09022015). Collection method: clinical testing. Allele origin: germline.

Illumina Laboratory Services, Illumina
Classification: Benign for Monilethrix-1. Last evaluated: 2018-01-12. Review status: criteria provided, single submitter. Criteria: ICSL Variant Classification Criteria 13 December 2019. Collection method: clinical testing. Allele origin: germline.
Comment: This variant was observed in the ICSL laboratory as part of a predisposition screen in an ostensibly healthy population. It had not been previously curated by ICSL or reported in the Human Gene Mutation Database (HGMD: prior to June 1st, 2018), and was therefore a candidate for classification through an automated scoring system. Utilizing variant allele frequency, disease prevalence and penetrance estimates, and inheritance mode, an automated score was calculated to assess if this variant is too frequent to cause the disease. Based on the score and internal cut-off values, a variant classified as benign is not then subjected to further curation. The score for this variant resulted in a classification of benign for this disease.

Breakthrough Genomics
Classification: Benign. Review status: criteria provided, single submitter. Criteria: ACMG Guidelines, 2015. Collection method: not provided. Allele origin: germline. Inheritance: Autosomal recessive inheritance. Affected: yes.